The following is an entry in ClinVar:

ClinVar aggregate classification (germline): Pathogenic (1 of 4 stars; one submission).

Submission:

Labcorp Genetics (formerly Invitae), Labcorp
Classification: Pathogenic. Last evaluated: 2023-10-27. Review status: criteria provided, single submitter. Criteria: Invitae Variant Classification Sherloc (09022015). Collection method: clinical testing. Allele origin: germline.
Comment: This sequence change creates a premature translational stop signal (p.Trp68*) in the GHR gene. It is expected to result in an absent or disrupted protein product. Loss-of-function variants in GHR are known to be pathogenic (PMID: 1999489, 8488849). This variant is not present in population databases (gnomAD no frequency). This variant has not been reported in the literature in individuals affected with GHR-related conditions. Algorithms developed to predict the effect of sequence changes on RNA splicing suggest that this variant may disrupt the consensus splice site. For these reasons, this variant has been classified as Pathogenic.

Literature cited by the submitters: PubMed 1999489; PubMed 8488849.

NM_000163.5(GHR):c.203G>A (p.Trp68Ter)

Gene: GHR (growth hormone receptor; plus strand). Cytogenetic location: 5p12.
Variant type: single nucleotide variant.
Coding change: c.203G>A on transcript NM_000163.5 (MANE Select); coding-DNA position 203, G replaced by A.
Protein change: p.Trp68Ter; replaces tryptophan 68 with a stop codon.
Molecular consequence: nonsense.
Genome position (GRCh38, 1-based): chr5:42,688,956, G>A. VCF-style: chr5-42688956-G-A. GRCh37 (hg19) VCF-style: chr5-42689058-G-A.
Other names: c.224G>A, p.Trp75Ter (NM_001242399.2); c.203G>A, p.Trp68Ter (NM_001242400.2, NM_001242401.4, NM_001242402.2 and 5 more transcripts); c.137G>A, p.Trp46Ter (NM_001242460.2); short protein forms W68*, W46*, W75*.
Identifiers: ClinVar variation 2824242 (VCV002824242.3), dbSNP rs2530643299, ClinGen allele CA359694785.